The following is an entry in ClinVar:

ClinVar aggregate classification (germline): Uncertain significance (1 of 4 stars; one submission).

Conditions:
Hereditary cancer-predisposing syndrome. Also called: Neoplastic Syndromes, Hereditary; Tumor predisposition; Hereditary Cancer Syndrome; Hereditary neoplastic syndrome. Identifiers: Orphanet 140162, MedGen C0027672, MeSH D009386, MONDO:0015356.

Submission:

Ambry Genetics
Classification: Uncertain significance for Hereditary cancer-predisposing syndrome. Last evaluated: 2026-03-30. Review status: criteria provided, single submitter. Criteria: Ambry Variant Classification Scheme 2023. Collection method: clinical testing. Allele origin: germline.
Comment: The p.G978R variant (also known as c.2932G>C), located in coding exon 14 of the BLM gene, results from a G to C substitution at nucleotide position 2932. The glycine at codon 978 is replaced by arginine, an amino acid with dissimilar properties. This amino acid position is conserved. In addition, this alteration is predicted to be deleterious by in silico analysis. Based on the available evidence, the clinical significance of this variant remains unclear.

NM_000057.4(BLM):c.2932G>C (p.Gly978Arg)

Gene: BLM (BLM RecQ like helicase; plus strand). Cytogenetic location: 15q26.1.
Variant type: single nucleotide variant.
Coding change: c.2932G>C on transcript NM_000057.4 (MANE Select); coding-DNA position 2932, G replaced by C.
Protein change: p.Gly978Arg; replaces glycine 978 with arginine.
Molecular consequence: missense variant.
Genome position (GRCh38, 1-based): chr15:90,790,757, G>C. VCF-style: chr15-90790757-G-C. GRCh37 (hg19) VCF-style: chr15-91333987-G-C.
Other names: c.2932G>C, p.Gly978Arg (NM_001287246.2, NM_001287247.2); c.1807G>C, p.Gly603Arg (NM_001287248.2); short protein forms G603R, G978R.
Identifiers: ClinVar variation 4867481 (VCV004867481.1).
Genomic context (GRCh38, chr15:90,790,757, plus strand): 5'-GTGCGATTTGTGATTCATGCATCTCTCCCTAAATCTGTGGAGGGTTACTACCAAGAATCT[G>C]GCAGAGCTGGAAGAGATGGGGAAATATCTCACTGCCTGCTTTTCTATACCTATCATGATG-3'
Protein context (NP_000048.1, residues 968-988): KSVEGYYQES[Gly978Arg]RAGRDGEISH